The following is an entry in ClinVar:

NM_018136.5(ASPM):c.2170G>A (p.Glu724Lys)

Gene: ASPM (assembly factor for spindle microtubules; minus strand). Cytogenetic location: 1q31.3.
Variant type: single nucleotide variant.
Coding change: c.2170G>A on transcript NM_018136.5 (MANE Select); coding-DNA position 2170, G replaced by A.
Protein change: p.Glu724Lys; replaces glutamic acid 724 with lysine.
Molecular consequence: missense variant.
Genome position (GRCh38, 1-based): chr1:197,135,099, C>T on the plus strand (G>A on the coding strand, the complement: ASPM is on the minus strand). VCF-style: chr1-197135099-C-T. GRCh37 (hg19) VCF-style: chr1-197104229-C-T.
Other names: c.2170G>A, p.Glu724Lys (NM_001206846.2); short protein forms E724K.
Identifiers: ClinVar variation 5001604 (VCV005001604.1).

ClinVar aggregate classification (germline): Uncertain significance (1 of 4 stars; one submission).

Conditions:
ASPM-related disorder. Also called: ASPM-related condition.

gnomAD v4.1: 6 of 1,578,020 alleles (0.00038%); highest among the groups gnomAD compares: African/African-American, 0.0014%; no homozygotes.

Submission:

PreventionGenetics, part of Exact Sciences
Classification: Uncertain significance for ASPM-related condition. Last evaluated: 2025-08-15. Review status: criteria provided, single submitter. Criteria: ACMG Guidelines, 2015. Collection method: clinical testing. Allele origin: germline.
Comment: The ASPM c.2170G>A variant is predicted to result in the amino acid substitution p.Glu724Lys. To our knowledge, this variant has not been reported in the literature. This variant is reported in 0.0029% of alleles in individuals of Latino descent in gnomAD. At this time, the clinical significance of this variant is uncertain due to the absence of conclusive functional and genetic evidence.